The following is an entry in ClinVar:

NM_005359.6(SMAD4):c.354del (p.Phe119fs)

Gene: SMAD4 (SMAD family member 4; plus strand). Cytogenetic location: 18q21.2.
Variant type: Deletion.
Coding change: c.354del on transcript NM_005359.6 (MANE Select); coding-DNA position 354, one base deleted (G; older notation c.354delG).
Protein change: p.Phe119fs; shifts the reading frame from phenylalanine 119.
Molecular consequence: frameshift variant. On other transcripts: non-coding transcript variant (2).
Genome position (GRCh38, 1-based): chr18:51,048,790, G deleted. VCF-style (leftmost placement, unchanged base first): chr18-51048789-CG-C. GRCh37 (hg19) VCF-style: chr18-48575159-CG-C.
Other names: c.354del, p.Phe119fs (NM_001407041.1, NM_001407042.1, NM_001407043.1); short protein forms F119fs.
Identifiers: ClinVar variation 3660958 (VCV003660958.2).

ClinVar aggregate classification (germline): Pathogenic (1 of 4 stars; one submission).

Conditions:
Juvenile polyposis syndrome (JPS). Identifiers: Orphanet 2929, MedGen C0345893, MONDO:0017380, OMIM 174900.

Submission:

Labcorp Genetics (formerly Invitae), Labcorp
Classification: Pathogenic for Juvenile polyposis syndrome. Last evaluated: 2024-07-30. Review status: criteria provided, single submitter. Criteria: Invitae Variant Classification Sherloc (09022015). Collection method: clinical testing. Allele origin: germline.
Comment: This sequence change creates a premature translational stop signal (p.Phe119Leufs*3) in the SMAD4 gene. It is expected to result in an absent or disrupted protein product. Loss-of-function variants in SMAD4 are known to be pathogenic (PMID: 16152648, 16436638, 22810475). This variant is not present in population databases (gnomAD no frequency). This variant has not been reported in the literature in individuals affected with SMAD4-related conditions. For these reasons, this variant has been classified as Pathogenic.

Literature cited by the submitters: PubMed 16152648; PubMed 16436638; PubMed 22810475.